The following is an entry in ClinVar:

ClinVar aggregate classification (germline): Likely benign. Review status: criteria provided, multiple submitters, no conflicts (2 of 4 stars). 2 submissions from 2 submitters: Likely benign (2). Last evaluated 2024-07-01.

Conditions:
Oligodontia-cancer predisposition syndrome. Also called: TOOTH AGENESIS-COLORECTAL CANCER SYNDROME. Identifiers: Orphanet 300576, MedGen C1837750, MONDO:0012075, OMIM 608615. Disease mechanism: loss of function.

gnomAD v4.1: 1 of 1,613,958 alleles (0.000062%); highest among the groups gnomAD compares: Non-Finnish European, 0.000085%; no homozygotes.

Submissions (2):

Myriad Genetics, Inc.
Classification: Likely benign for Oligodontia-cancer predisposition syndrome. Last evaluated: 2024-07-01. Review status: criteria provided, single submitter. Criteria: Myriad Autosomal Dominant, Autosomal Recessive and X-Linked Classification Criteria (2023). Collection method: clinical testing. Allele origin: unknown.
Comment: This variant is considered likely benign. This variant is intronic and is not expected to impact mRNA splicing.

Labcorp Genetics (formerly Invitae), Labcorp
Classification: Likely benign for Oligodontia-cancer predisposition syndrome. Last evaluated: 2023-08-14. Review status: criteria provided, single submitter. Criteria: Invitae Variant Classification Sherloc (09022015). Collection method: clinical testing. Allele origin: germline.

NM_004655.4(AXIN2):c.1060-18C>T

Gene: AXIN2 (axin 2; minus strand). Cytogenetic location: 17q24.1.
Variant type: single nucleotide variant.
Coding change: c.1060-18C>T on transcript NM_004655.4 (MANE Select); 18 bases into the intron before coding-DNA position 1060, C replaced by T.
Molecular consequence: intron variant.
Genome position (GRCh38, 1-based): chr17:65,538,361, G>A on the plus strand (C>T on the coding strand, the complement: AXIN2 is on the minus strand). VCF-style: chr17-65538361-G-A. GRCh37 (hg19) VCF-style: chr17-63534479-G-A.
Other names: c.1060-18C>T (NM_001363813.1).
Identifiers: ClinVar variation 2911240 (VCV002911240.4), dbSNP rs2544183616, ClinGen allele CA2639405584.
Genomic context (GRCh38, chr17:65,538,361, plus strand): 5'-CGGGTTCCACGGGGGTCATCTCCTTGGGCAGGCGGTGGGTTCTCTACAGGACGTGGAAAG[G>A]AAAGGGAGGAGGCACGTTCAGCAGGCTAGGTGGGCGGTGGCTTGGCCGGAGCTTCCCGCA-3'